The following is an entry in ClinVar:

ClinVar aggregate classification (germline): Likely benign (0 of 4 stars; one submission).

Conditions:
MYH3-related disorder. Also called: MYH3-Related Disorders; MYH3-related condition. Identifiers: MedGen CN239329.

Allele frequency attached by ClinVar (database versions not stated): ExAC 0.00001; gnomAD exomes 0.00001; TOPMed 0.00001.
gnomAD v4.1: 4 of 1,614,114 alleles (0.00025%); highest among the groups gnomAD compares: Admixed American, 0.0067%; no homozygotes.

Submission:

PreventionGenetics, part of Exact Sciences
Classification: Likely benign for MYH3-related condition. Last evaluated: 2022-08-21. Review status: no assertion criteria provided. Collection method: clinical testing. Allele origin: germline.
Comment: This variant is classified as likely benign based on ACMG/AMP sequence variant interpretation guidelines (Richards et al. 2015 PMID: 25741868, with internal and published modifications).

NM_002470.4(MYH3):c.4092G>A (p.Lys1364=)

Gene: MYH3 (myosin heavy chain 3; minus strand). Cytogenetic location: 17p13.1.
Variant type: single nucleotide variant.
Coding change: c.4092G>A on transcript NM_002470.4 (MANE Select); coding-DNA position 4092, G replaced by A.
Protein change: p.Lys1364=; no amino-acid change (lysine 1364 retained).
Molecular consequence: synonymous variant.
Genome position (GRCh38, 1-based): chr17:10,635,447, C>T on the plus strand (G>A on the coding strand, the complement: MYH3 is on the minus strand). VCF-style: chr17-10635447-C-T. GRCh37 (hg19) VCF-style: chr17-10538764-C-T.
Identifiers: ClinVar variation 3054275 (VCV003054275.2), dbSNP rs765508091, ClinGen allele CA8392310.
Genomic context (GRCh38, chr17:10,635,447, plus strand): 5'-TGTGCGCTGGATGGCGTCCGTCTCGTATTTGGTTCTCCACTGGGCAACCTCACTATTGGC[C>T]TTGGACAGCGCCCTCTGCAGCTCAGCTTTGCCTTCCTGCTCCTCCTCATACTGTTCCCGC-3'
Protein context (NP_002461.2, residues 1354-1374): GKAELQRALS[Lys1364=]ANSEVAQWRT